The following is an entry in ClinVar:

NM_018117.12(WDR11):c.2305A>G (p.Met769Val)

Gene: WDR11 (WD repeat domain 11; plus strand). Cytogenetic location: 10q26.12.
Variant type: single nucleotide variant.
Coding change: c.2305A>G on transcript NM_018117.12 (MANE Select); coding-DNA position 2305, A replaced by G.
Protein change: p.Met769Val; replaces methionine 769 with valine.
Molecular consequence: missense variant.
Genome position (GRCh38, 1-based): chr10:120,889,971, A>G. VCF-style: chr10-120889971-A-G. GRCh37 (hg19) VCF-style: chr10-122649483-A-G.
Other names: c.2305A>G (NM_018117.11); short protein forms M769V.
Identifiers: ClinVar variation 1509001 (VCV001509001.23), dbSNP rs61761620, ClinGen allele CA5719985.

ClinVar aggregate classification (germline): Conflicting classifications of pathogenicity. Review status: criteria provided, conflicting classifications (1 of 4 stars). 3 submissions from 3 submitters: Uncertain significance (1); Benign (1). 1 of the submissions does not count toward it. Last evaluated 2026-04-01.

Conditions:
WDR11-related disorder. Also called: WDR11-related condition.

Allele frequency attached by ClinVar (database versions not stated): gnomAD 0.00071 and 0.00072; TOPMed 0.00072; 1000 Genomes Project 0.00080; 1000 Genomes Project 30x 0.00094; ESP Exome Variant Server 0.00138.
gnomAD v4.1: 1,468 of 1,613,908 alleles (0.091%); highest among the groups gnomAD compares: Non-Finnish European, 0.12%; 1 homozygote.

Submissions (3):

CeGaT Center for Human Genetics Tuebingen
Classification: Benign. Last evaluated: 2026-04-01. Review status: criteria provided, single submitter. Criteria: CeGaT Center For Human Genetics Tuebingen Variant Classification Criteria Version 2. Collection method: clinical testing. Allele origin: germline. Affected: yes. Observed: 4 variant alleles.
Comment: WDR11: BS1, BS2

Labcorp Genetics (formerly Invitae), Labcorp
Classification: Uncertain significance. Last evaluated: 2025-12-10. Review status: criteria provided, single submitter. Criteria: Invitae Variant Classification Sherloc (09022015). Collection method: clinical testing. Allele origin: germline.
Comment: This sequence change replaces methionine, which is neutral and non-polar, with valine, which is neutral and non-polar, at codon 769 of the WDR11 protein (p.Met769Val). This variant is present in population databases (rs61761620, gnomAD 0.1%), and has an allele count higher than expected for a pathogenic variant. This missense change has been observed in individuals with Kallmann syndrome (PMID: 34198905, 36531499). ClinVar contains an entry for this variant (Variation ID: 1509001). An algorithm developed to predict the effect of missense changes on protein structure and function (PolyPhen-2) suggests that this variant is likely to be tolerated. In summary, the available evidence is currently insufficient to determine the role of this variant in disease. Therefore, it has been classified as a Variant of Uncertain Significance.

PreventionGenetics, part of Exact Sciences
Classification: Uncertain significance for WDR11-related condition. Last evaluated: 2024-08-12. Review status: no assertion criteria provided. Collection method: clinical testing. Allele origin: germline. Not counted in ClinVar's aggregate classification.
Comment: The WDR11 c.2305A>G variant is predicted to result in the amino acid substitution p.Met769Val. This variant has been reported in individuals with Kallmann syndrome/congenital hypogonadotropic hypogonadism, although pathogenicity was not established (Kałużna et al. 2021. PubMed ID: 34198905; Supplementary Table 2, Federici et al. 2022. PubMed ID: 36531499). This variant is reported in 0.11% of alleles in individuals of European (Non-Finnish) descent in gnomAD, which may be too common to be a primary cause of disease. Although we suspect that this variant may be benign, at this time, the clinical significance of this variant is uncertain due to the absence of conclusive functional and genetic evidence.

Literature cited by the submitters: PubMed 34198905 (cited by Labcorp Genetics (formerly Invitae), Labcorp); PubMed 36531499 (cited by Labcorp Genetics (formerly Invitae), Labcorp).